The following is an entry in ClinVar:

ClinVar aggregate classification (germline): Uncertain significance (1 of 4 stars; one submission).

Submission:

Labcorp Genetics (formerly Invitae), Labcorp
Classification: Uncertain significance. Last evaluated: 2025-06-03. Review status: criteria provided, single submitter. Criteria: Invitae Variant Classification Sherloc (09022015). Collection method: clinical testing. Allele origin: germline.
Comment: This sequence change replaces asparagine, which is neutral and polar, with histidine, which is basic and polar, at codon 433 of the LEMD3 protein (p.Asn433His). This variant is not present in population databases (gnomAD no frequency). This variant has not been reported in the literature in individuals affected with LEMD3-related conditions. Invitae Evidence Modeling of protein sequence and biophysical properties (such as structural, functional, and spatial information, amino acid conservation, physicochemical variation, residue mobility, and thermodynamic stability) indicates that this missense variant is not expected to disrupt LEMD3 protein function with a negative predictive value of 80%. In summary, the available evidence is currently insufficient to determine the role of this variant in disease. Therefore, it has been classified as a Variant of Uncertain Significance.

NM_014319.5(LEMD3):c.1297A>C (p.Asn433His)

Gene: LEMD3 (LEM domain containing 3; plus strand). Cytogenetic location: 12q14.3.
Variant type: single nucleotide variant.
Coding change: c.1297A>C on transcript NM_014319.5 (MANE Select); coding-DNA position 1297, A replaced by C.
Protein change: p.Asn433His; replaces asparagine 433 with histidine.
Molecular consequence: missense variant.
Genome position (GRCh38, 1-based): chr12:65,170,893, A>C. VCF-style: chr12-65170893-A-C. GRCh37 (hg19) VCF-style: chr12-65564673-A-C.
Other names: c.1297A>C, p.Asn433His (NM_001167614.2); short protein forms N433H.
Identifiers: ClinVar variation 4743715 (VCV004743715.1).